The following is an entry in ClinVar:

NM_000540.3(RYR1):c.8616+15C>T

Gene: RYR1 (ryanodine receptor 1; plus strand). Cytogenetic location: 19q13.2.
Variant type: single nucleotide variant.
Coding change: c.8616+15C>T on transcript NM_000540.3 (MANE Select); 15 bases into the intron after coding-DNA position 8616, C replaced by T.
Molecular consequence: intron variant.
Genome position (GRCh38, 1-based): chr19:38,506,392, C>T. VCF-style: chr19-38506392-C-T. GRCh37 (hg19) VCF-style: chr19-38997032-C-T.
Other names: c.8616+15C>T (NM_001042723.2).
Identifiers: ClinVar variation 2191532 (VCV002191532.5), dbSNP rs560218459, ClinGen allele CA072356.

ClinVar aggregate classification (germline): Likely benign. Review status: criteria provided, multiple submitters, no conflicts (2 of 4 stars). 2 submissions from 2 submitters: Likely benign (2). Last evaluated 2024-03-21.

Conditions:
RYR1-related disorder. Also called: RYR1-related condition; RYR1-related disorders. Identifiers: MedGen CN239331.

Allele frequency attached by ClinVar (database versions not stated): TOPMed below 0.00001; ExAC 0.00001; gnomAD 0.00001; gnomAD exomes 0.00001.
gnomAD v4.1: 13 of 1,613,934 alleles (0.00081%); highest among the groups gnomAD compares: African/African-American, 0.0013%; no homozygotes.

Submissions (2):

Labcorp Genetics (formerly Invitae), Labcorp
Classification: Likely benign for RYR1-related disorder. Last evaluated: 2024-03-21. Review status: criteria provided, single submitter. Criteria: Invitae Variant Classification Sherloc (09022015). Collection method: clinical testing. Allele origin: germline.

Women's Health and Genetics/Laboratory Corporation of America, LabCorp
Classification: Likely benign. Last evaluated: 2023-10-03. Review status: criteria provided, single submitter. Criteria: LabCorp Variant Classification Summary - May 2015. Collection method: clinical testing. Allele origin: germline.
Comment: Variant summary: RYR1 c.8616+15C>T alters a non-conserved nucleotide located at a position not widely known to affect splicing. Consensus agreement among computational tools predict no significant impact on normal splicing. However, these predictions have yet to be confirmed by functional studies. The variant allele was found at a frequency of 1.2e-05 in 251384 control chromosomes (gnomAD). The available data on variant occurrences in the general population are insufficient to allow any conclusion about variant significance. To our knowledge, no occurrence of c.8616+15C>T in individuals affected with Malignant Hyperthermia Susceptibility and no experimental evidence demonstrating its impact on protein function have been reported. One ClinVar submitter has assessed the variant since 2014, and classified the variant as likely benign. Based on the evidence outlined above, the variant was classified as likely benign.